The following is an entry in ClinVar:

NM_001242896.3(DEPDC5):c.1456G>A (p.Glu486Lys)

Gene: DEPDC5 (DEP domain containing 5, GATOR1 subcomplex subunit; plus strand). Cytogenetic location: 22q12.3.
Variant type: single nucleotide variant.
Coding change: c.1456G>A on transcript NM_001242896.3 (MANE Select); coding-DNA position 1456, G replaced by A.
Protein change: p.Glu486Lys; replaces glutamic acid 486 with lysine.
Molecular consequence: missense variant. On other transcripts: non-coding transcript variant (5).
Genome position (GRCh38, 1-based): chr22:31,815,002, G>A. VCF-style: chr22-31815002-G-A. GRCh37 (hg19) VCF-style: chr22-32210988-G-A.
Other names: c.1456G>A, p.Glu486Lys (NM_001007188.4, NM_001136029.4, NM_001242897.2 and 7 more transcripts); c.1372G>A, p.Glu458Lys (NM_001369901.1, NM_001369902.1); short protein forms E458K, E486K.
Identifiers: ClinVar variation 941839 (VCV000941839.9), dbSNP rs1389850959, ClinGen allele CA411277862.

ClinVar aggregate classification (germline): Uncertain significance (1 of 4 stars; one submission).

Conditions:
Familial focal epilepsy with variable foci (FPEVF). Identifiers: Orphanet 98820, MedGen C1858477, MONDO:0020310.

Allele frequency attached by ClinVar (database versions not stated): gnomAD exomes below 0.00001; TOPMed 0.00001; gnomAD 0.00003.
gnomAD v4.1: 5 of 1,613,948 alleles (0.00031%); highest among the groups gnomAD compares: African/African-American, 0.0067%; no homozygotes.

Submission:

Labcorp Genetics (formerly Invitae), Labcorp
Classification: Uncertain significance for Familial focal epilepsy with variable foci. Last evaluated: 2024-05-10. Review status: criteria provided, single submitter. Criteria: Invitae Variant Classification Sherloc (09022015). Collection method: clinical testing. Allele origin: germline.
Comment: This sequence change replaces glutamic acid, which is acidic and polar, with lysine, which is basic and polar, at codon 486 of the DEPDC5 protein (p.Glu486Lys). This variant is present in population databases (no rsID available, gnomAD 0.007%). This variant has not been reported in the literature in individuals affected with DEPDC5-related conditions. ClinVar contains an entry for this variant (Variation ID: 941839). Experimental studies and prediction algorithms are not available or were not evaluated, and the functional significance of this variant is currently unknown. In summary, the available evidence is currently insufficient to determine the role of this variant in disease. Therefore, it has been classified as a Variant of Uncertain Significance.